The following is an entry in ClinVar:

NM_019098.5(CNGB3):c.212-2A>G

Gene: CNGB3 (cyclic nucleotide gated channel subunit beta 3; minus strand). Cytogenetic location: 8q21.3.
Variant type: single nucleotide variant.
Coding change: c.212-2A>G on transcript NM_019098.5 (MANE Select); the canonical splice acceptor site of the intron before coding-DNA position 212, A replaced by G.
Molecular consequence: splice acceptor variant.
Genome position (GRCh38, 1-based): chr8:86,726,659, T>C on the plus strand (A>G on the coding strand, the complement: CNGB3 is on the minus strand). VCF-style: chr8-86726659-T-C. GRCh37 (hg19) VCF-style: chr8-87738887-T-C.
Identifiers: ClinVar variation 2019025 (VCV002019025.6), dbSNP rs2538181962, ClinGen allele CA371456178.

ClinVar aggregate classification (germline): Likely pathogenic. Review status: criteria provided, multiple submitters, no conflicts (2 of 4 stars). 2 submissions from 2 submitters: Likely pathogenic (2). Last evaluated 2022-07-23.

Conditions:
CNGB3-related disorder. Also called: CNGB3-related condition; CNGB3-related disorders. Identifiers: MedGen CN239340.

Submissions (2):

Labcorp Genetics (formerly Invitae), Labcorp
Classification: Likely pathogenic. Last evaluated: 2022-07-23. Review status: criteria provided, single submitter. Criteria: Invitae Variant Classification Sherloc (09022015). Collection method: clinical testing. Allele origin: germline.
Comment: This sequence change affects an acceptor splice site in intron 2 of the CNGB3 gene. It is expected to disrupt RNA splicing. Variants that disrupt the donor or acceptor splice site typically lead to a loss of protein function (PMID: 16199547), and loss-of-function variants in CNGB3 are known to be pathogenic (PMID: 28795510). This variant is not present in population databases (gnomAD no frequency). In summary, the currently available evidence indicates that the variant is pathogenic, but additional data are needed to prove that conclusively. Therefore, this variant has been classified as Likely Pathogenic. Algorithms developed to predict the effect of sequence changes on RNA splicing suggest that this variant may disrupt the consensus splice site. This variant has not been reported in the literature in individuals affected with CNGB3-related conditions.

Blueprint Genetics
Classification: Likely pathogenic for CNGB3-related disorders. Last evaluated: 2019-12-11. Review status: criteria provided, single submitter. Criteria: ACMG Guidelines, 2015. Collection method: clinical testing. Allele origin: germline. Affected: yes. Observed: 1 variant allele.

Literature cited by the submitters: PubMed 16199547 (cited by Labcorp Genetics (formerly Invitae), Labcorp); PubMed 28795510 (cited by Labcorp Genetics (formerly Invitae), Labcorp).